The following is an entry in ClinVar:

NM_001282225.2(ADA2):c.882-11del

Gene: ADA2 (adenosine deaminase 2; minus strand). Cytogenetic location: 22q11.1.
Variant type: Deletion.
Coding change: c.882-11del on transcript NM_001282225.2 (MANE Select); 11 bases into the intron before coding-DNA position 882, one base deleted (C; older notation c.882-11delC).
Molecular consequence: intron variant.
Genome position (GRCh38, 1-based): chr22:17,190,043, G deleted on the plus strand (C on the coding strand, the reverse complement: ADA2 is on the minus strand). VCF-style (leftmost placement, unchanged base first): chr22-17190042-AG-A. GRCh37 (hg19) VCF-style: chr22-17670932-AG-A.
Other names: p.?; c.756-11del (NM_001282227.2, NM_001282228.2); c.522-11del (NM_001282229.2); c.882-11del (NM_001282226.2); c.159-11del (NM_177405.3).
Identifiers: ClinVar variation 1165151 (VCV001165151.12), dbSNP rs768002473, ClinGen allele CA10088057.

ClinVar aggregate classification (germline): Benign/Likely benign. Review status: criteria provided, multiple submitters, no conflicts (2 of 4 stars). 4 submissions from 4 submitters: Benign (1); Likely benign (3). Last evaluated 2026-01-21.

Conditions:
Deficiency of adenosine deaminase 2. Also called: Polyarteritis nodosa, childhoood-onset; Adenosine Deaminase 2 Deficiency; VASCULITIS, AUTOINFLAMMATION, IMMUNODEFICIENCY, AND HEMATOLOGIC DEFECTS SYNDROME. Identifiers: Orphanet 404553, MedGen C3887654, MONDO:0014306, OMIM 615688, MONDO:0100317.

Allele frequency attached by ClinVar (database versions not stated): ESP Exome Variant Server 0.00016; ExAC 0.00033; gnomAD exomes 0.00034 and 0.00061; gnomAD 0.00036 and 0.00038; TOPMed 0.00046.

Submissions (4):

Labcorp Genetics (formerly Invitae), Labcorp
Classification: Benign for Deficiency of adenosine deaminase 2. Last evaluated: 2026-01-21. Review status: criteria provided, single submitter. Criteria: Invitae Variant Classification Sherloc (09022015). Collection method: clinical testing. Allele origin: germline.

Mayo Clinic Laboratories, Mayo Clinic
Classification: Likely benign. Last evaluated: 2025-04-01. Review status: criteria provided, single submitter. Criteria: ACMG Guidelines, 2015. Collection method: clinical testing. Allele origin: germline. Observed: 3 variant alleles.
Comment: BP4, BP7

Blueprint Genetics
Classification: Likely benign. Last evaluated: 2024-11-20. Review status: criteria provided, single submitter. Criteria: ACMG Guidelines, 2015. Collection method: clinical testing. Allele origin: germline.

ARUP Laboratories, Molecular Genetics and Genomics, ARUP Laboratories
Classification: Likely benign. Last evaluated: 2024-05-30. Review status: criteria provided, single submitter. Criteria: ARUP Molecular Germline Variant Investigation Process 2024. Collection method: clinical testing. Allele origin: germline.